The following is an entry in ClinVar:

ClinVar aggregate classification (germline): Uncertain significance (1 of 4 stars; one submission).

Conditions:
Asphyxiating thoracic dystrophy 5 (SRTD5). Also called: SHORT-RIB THORACIC DYSPLASIA 5 WITH OR WITHOUT POLYDACTYLY; SHORT-RIB THORACIC DYSPLASIA 5 WITHOUT POLYDACTYLY. Identifiers: Orphanet 474, MedGen C3280598, MONDO:0013717, OMIM 614376.
Senior-Loken syndrome 8 (SLSN8). Identifiers: Orphanet 3156, MedGen C4225376, MONDO:0014579, OMIM 616307.

Allele frequency attached by ClinVar (database versions not stated): gnomAD exomes below 0.00001.
gnomAD v4.1: 2 of 1,613,864 alleles (0.00012%); highest among the groups gnomAD compares: Non-Finnish European, 0.00017%; no homozygotes.

Submission:

Labcorp Genetics (formerly Invitae), Labcorp
Classification: Uncertain significance for Senior-Loken syndrome 8; Asphyxiating thoracic dystrophy 5. Last evaluated: 2023-08-04. Review status: criteria provided, single submitter. Criteria: Invitae Variant Classification Sherloc (09022015). Collection method: clinical testing. Allele origin: germline.
Comment: This sequence change replaces phenylalanine, which is neutral and non-polar, with leucine, which is neutral and non-polar, at codon 729 of the WDR19 protein (p.Phe729Leu). In summary, the available evidence is currently insufficient to determine the role of this variant in disease. Therefore, it has been classified as a Variant of Uncertain Significance. Advanced modeling of protein sequence and biophysical properties (such as structural, functional, and spatial information, amino acid conservation, physicochemical variation, residue mobility, and thermodynamic stability) performed at Invitae indicates that this missense variant is not expected to disrupt WDR19 protein function. ClinVar contains an entry for this variant (Variation ID: 2159620). This variant has not been reported in the literature in individuals affected with WDR19-related conditions. This variant is present in population databases (no rsID available, gnomAD 0.002%).

NM_025132.4(WDR19):c.2185T>C (p.Phe729Leu)

Gene: WDR19 (WD repeat domain 19; plus strand). Cytogenetic location: 4p14.
Variant type: single nucleotide variant.
Coding change: c.2185T>C on transcript NM_025132.4 (MANE Select); coding-DNA position 2185, T replaced by C.
Protein change: p.Phe729Leu; replaces phenylalanine 729 with leucine.
Molecular consequence: missense variant.
Genome position (GRCh38, 1-based): chr4:39,232,204, T>C. VCF-style: chr4-39232204-T-C. GRCh37 (hg19) VCF-style: chr4-39233824-T-C.
Other names: c.1705T>C, p.Phe569Leu (NM_001317924.2); short protein forms F729L, F569L.
Identifiers: ClinVar variation 2159620 (VCV002159620.2), dbSNP rs1381969257, ClinGen allele CA356634906.